The following is an entry in ClinVar:

NM_005529.7(HSPG2):c.10936C>T (p.Arg3646Cys)

Gene: HSPG2 (heparan sulfate proteoglycan 2; minus strand). Cytogenetic location: 1p36.12.
Variant type: single nucleotide variant.
Coding change: c.10936C>T on transcript NM_005529.7 (MANE Select); coding-DNA position 10936, C replaced by T.
Protein change: p.Arg3646Cys; replaces arginine 3646 with cysteine.
Molecular consequence: missense variant.
Genome position (GRCh38, 1-based): chr1:21,833,509, G>A on the plus strand (C>T on the coding strand, the complement: HSPG2 is on the minus strand). VCF-style: chr1-21833509-G-A. GRCh37 (hg19) VCF-style: chr1-22160002-G-A.
Other names: c.10939C>T, p.Arg3647Cys (NM_001291860.2); short protein forms R3646C, R3647C.
Identifiers: ClinVar variation 1305190 (VCV001305190.7), dbSNP rs769320743, ClinGen allele CA669977.

ClinVar aggregate classification (germline): Uncertain significance. Review status: criteria provided, multiple submitters, no conflicts (2 of 4 stars). 3 submissions from 3 submitters: Uncertain significance (3). Last evaluated 2024-01-03.

Conditions:
Inborn genetic diseases. Identifiers: MedGen C0950123, MeSH D030342.

Allele frequency attached by ClinVar (database versions not stated): ExAC 0.00001; gnomAD exomes 0.00001 and 0.00003; gnomAD 0.00003 and 0.00004; TOPMed 0.00003.

Submissions (3):

Ambry Genetics
Classification: Uncertain significance for Inborn genetic diseases. Last evaluated: 2024-01-03. Review status: criteria provided, single submitter. Criteria: Ambry Variant Classification Scheme 2023. Collection method: clinical testing. Allele origin: germline.

Labcorp Genetics (formerly Invitae), Labcorp
Classification: Uncertain significance. Last evaluated: 2022-08-17. Review status: criteria provided, single submitter. Criteria: Invitae Variant Classification Sherloc (09022015). Collection method: clinical testing. Allele origin: germline.
Comment: In summary, the available evidence is currently insufficient to determine the role of this variant in disease. Therefore, it has been classified as a Variant of Uncertain Significance. Algorithms developed to predict the effect of missense changes on protein structure and function are either unavailable or do not agree on the potential impact of this missense change (SIFT: "Deleterious"; PolyPhen-2: "Probably Damaging"; Align-GVGD: "Class C0"). This sequence change replaces arginine, which is basic and polar, with cysteine, which is neutral and slightly polar, at codon 3646 of the HSPG2 protein (p.Arg3646Cys). This variant is present in population databases (rs769320743, gnomAD 0.003%). This variant has not been reported in the literature in individuals affected with HSPG2-related conditions. ClinVar contains an entry for this variant (Variation ID: 1305190).

GeneDx
Classification: Uncertain significance. Last evaluated: 2019-04-25. Review status: criteria provided, single submitter. Criteria: GeneDx Variant Classification Process June 2021. Collection method: clinical testing. Allele origin: germline. Affected: yes.
Comment: In silico analysis, which includes protein predictors and evolutionary conservation, supports a deleterious effect; Has not been previously published as pathogenic or benign to our knowledge